The following is an entry in ClinVar:

NM_001199107.2(TBC1D24):c.856C>G (p.Leu286Val)

Gene: TBC1D24 (TBC1 domain family member 24; plus strand). Cytogenetic location: 16p13.3.
Variant type: single nucleotide variant.
Coding change: c.856C>G on transcript NM_001199107.2 (MANE Select); coding-DNA position 856, C replaced by G.
Protein change: p.Leu286Val; replaces leucine 286 with valine.
Molecular consequence: missense variant.
Genome position (GRCh38, 1-based): chr16:2,497,004, C>G. VCF-style: chr16-2497004-C-G. GRCh37 (hg19) VCF-style: chr16-2547005-C-G.
Other names: c.856C>G, p.Leu286Val (NM_020705.3); short protein forms L286V.
Identifiers: ClinVar variation 845179 (VCV000845179.10), dbSNP rs775099094, ClinGen allele CA276809639.

ClinVar aggregate classification (germline): Uncertain significance (1 of 4 stars; one submission).

Conditions:
Developmental and epileptic encephalopathy, 1 (DEE1). Also called: INFANTILE SPASM SYNDROME, X-LINKED 1; X-linked infantile spasms; West's syndrome; Tonic spasms with clustering, arrest of psychomotor development and hypsarrhythmia on EEG; X-Linked Infantile Spasm Syndrome; OHTAHARA SYNDROME, X-LINKED. Identifiers: MedGen C3463992, MONDO:0010632, OMIM 308350. Disease mechanism: loss of function.
Autosomal dominant nonsyndromic hearing loss 65. Also called: TBC1D24-Related Autosomal Dominant Nonsyndromic Hearing Loss (DFNA); Deafness, autosomal dominant 65. Identifiers: Orphanet 90635, MedGen C3892048, MONDO:0014470, OMIM 616044.

Allele frequency attached by ClinVar (database versions not stated): gnomAD exomes 0.00001; TOPMed below 0.00001; gnomAD 0.00001.
gnomAD v4.1: 13 of 1,613,822 alleles (0.00081%); highest among the groups gnomAD compares: Non-Finnish European, 0.001%; no homozygotes.

Submission:

Labcorp Genetics (formerly Invitae), Labcorp
Classification: Uncertain significance for Developmental and epileptic encephalopathy, 1; Autosomal dominant nonsyndromic hearing loss 65. Last evaluated: 2025-10-02. Review status: criteria provided, single submitter. Criteria: Invitae Variant Classification Sherloc (09022015). Collection method: clinical testing. Allele origin: germline.
Comment: This sequence change replaces leucine, which is neutral and non-polar, with valine, which is neutral and non-polar, at codon 286 of the TBC1D24 protein (p.Leu286Val). This variant is present in population databases (rs775099094, gnomAD 0.007%). This variant has not been reported in the literature in individuals affected with TBC1D24-related conditions. ClinVar contains an entry for this variant (Variation ID: 845179). Invitae Evidence Modeling of protein sequence and biophysical properties (such as structural, functional, and spatial information, amino acid conservation, physicochemical variation, residue mobility, and thermodynamic stability) indicates that this missense variant is expected to disrupt TBC1D24 protein function with a positive predictive value of 95%. In summary, the available evidence is currently insufficient to determine the role of this variant in disease. Therefore, it has been classified as a Variant of Uncertain Significance.